The following is an entry in ClinVar:

NM_004415.4(DSP):c.4648A>G (p.Thr1550Ala)

Gene: DSP (desmoplakin; plus strand). Cytogenetic location: 6p24.3.
Variant type: single nucleotide variant.
Coding change: c.4648A>G on transcript NM_004415.4 (MANE Select); coding-DNA position 4648, A replaced by G.
Protein change: p.Thr1550Ala; replaces threonine 1550 with alanine.
Molecular consequence: missense variant. On other transcripts: intron variant (2).
Genome position (GRCh38, 1-based): chr6:7,580,838, A>G. VCF-style: chr6-7580838-A-G. GRCh37 (hg19) VCF-style: chr6-7581071-A-G.
Other names: c.4648A>G (LRG_423t1); c.4050+598A>G (NM_001319034.2); c.3582+1066A>G (NM_001008844.3); short protein forms T1550A.
Identifiers: ClinVar variation 423291 (VCV000423291.9), dbSNP rs375917565, ClinGen allele CA16618324.

ClinVar aggregate classification (germline): Uncertain significance. Review status: criteria provided, multiple submitters, no conflicts (2 of 4 stars). 3 submissions from 3 submitters: Uncertain significance (3). Last evaluated 2023-05-16.

Conditions:
Arrhythmogenic cardiomyopathy with wooly hair and keratoderma. Also called: Carvajal syndrome; Dilated cardiomyopathy with woolly hair and keratoderma; Arrhythmogenic cardiomyopathy with woolly hair and keratoderma; PALMOPLANTAR KERATODERMA WITH LEFT VENTRICULAR CARDIOMYOPATHY AND WOOLLY HAIR. Identifiers: Orphanet 65282, MedGen C1854063, MONDO:0011581, OMIM 605676.
Arrhythmogenic right ventricular dysplasia 8 (ARVD8). Also called: ARRHYTHMOGENIC RIGHT VENTRICULAR DYSPLASIA, FAMILIAL, 8; ARRHYTHMOGENIC RIGHT VENTRICULAR CARDIOMYOPATHY 8; Arrhythmogenic Right Ventricular Dysplasia/Cardiomyopathy 8. Identifiers: MedGen C1843896, MONDO:0011831, OMIM 607450.

Submissions (3):

All of Us Research Program, National Institutes of Health
Classification: Uncertain significance for Arrhythmogenic cardiomyopathy with wooly hair and keratoderma. Last evaluated: 2023-05-16. Review status: criteria provided, single submitter. Criteria: ACMG Guidelines, 2015. Collection method: clinical testing. Allele origin: germline. Inheritance: Autosomal dominant inheritance. Observed: 1 variant allele, 1 heterozygote.
Comment: This missense variant replaces threonine with alanine at codon 1550 of the DSP protein. Computational prediction suggests that this variant may not impact protein structure and function (internally defined REVEL score threshold <= 0.5, PMID: 27666373). To our knowledge, functional studies have not been reported for this variant. This variant has not been reported in individuals affected with DSP-related disorders in the literature. This variant has not been identified in the general population by the Genome Aggregation Database (gnomAD). The available evidence is insufficient to determine the role of this variant in disease conclusively. Therefore, this variant is classified as a Variant of Uncertain Significance.

This study involves interpretation of variants in research participants for the purpose of population health screening. Participant phenotype was not available at the time of variant classification. Additional details can be found in publication PMID: 35346344, PMCID: PMC8962531

Labcorp Genetics (formerly Invitae), Labcorp
Classification: Uncertain significance for Arrhythmogenic cardiomyopathy with wooly hair and keratoderma; Arrhythmogenic right ventricular dysplasia 8. Last evaluated: 2021-10-11. Review status: criteria provided, single submitter. Criteria: Invitae Variant Classification Sherloc (09022015). Collection method: clinical testing. Allele origin: germline.
Comment: This sequence change replaces threonine with alanine at codon 1550 of the DSP protein (p.Thr1550Ala). The threonine residue is moderately conserved and there is a small physicochemical difference between threonine and alanine. This variant is not present in population databases (ExAC no frequency). This variant has not been reported in the literature in individuals affected with DSP-related conditions. ClinVar contains an entry for this variant (Variation ID: 423291). Algorithms developed to predict the effect of missense changes on protein structure and function output the following: SIFT: "Tolerated"; PolyPhen-2: "Benign"; Align-GVGD: "Class C0". The alanine amino acid residue is found in multiple mammalian species, which suggests that this missense change does not adversely affect protein function. In summary, the available evidence is currently insufficient to determine the role of this variant in disease. Therefore, it has been classified as a Variant of Uncertain Significance.

GeneDx
Classification: Uncertain significance. Last evaluated: 2017-02-06. Review status: criteria provided, single submitter. Criteria: GeneDx Variant Classification (06012015). Collection method: clinical testing. Allele origin: germline. Affected: yes.
Comment: The T1550A variant of uncertain significance in the DSP gene has not been published as pathogenic or been reported as benign to our knowledge. T1550A is not observed in large population cohorts (Lek et al., 2016; 1000 Genomes Consortium et al., 2015; Exome Variant Server). The T1550A variant is a non-conservative amino acid substitution, which is likely to impact secondary protein structure as these residues differ in polarity, charge, size and/or other properties. Nevertheless, this substitution occurs at a position that is not conserved, where A1550 is the native residue in at least two species. Furthermore, in silico analysis predicts this variant likely does not alter the protein structure/function, and no pathogenic missense variants in nearby residues have been reported in the Human Gene Mutation Database (Stenson et al., 2014).